The following is an entry in ClinVar:

NM_032119.4(ADGRV1):c.5221T>C (p.Leu1741=)

Gene: ADGRV1 (adhesion G protein-coupled receptor V1; plus strand). Cytogenetic location: 5q14.3.
Variant type: single nucleotide variant.
Coding change: c.5221T>C on transcript NM_032119.4 (MANE Select); coding-DNA position 5221, T replaced by C.
Protein change: p.Leu1741=; no amino-acid change (leucine 1741 retained).
Molecular consequence: synonymous variant. On other transcripts: non-coding transcript variant (1).
Genome position (GRCh38, 1-based): chr5:90,675,353, T>C. VCF-style: chr5-90675353-T-C. GRCh37 (hg19) VCF-style: chr5-89971170-T-C.
Identifiers: ClinVar variation 46333 (VCV000046333.60), dbSNP rs371831553, ClinGen allele CA138139.

ClinVar aggregate classification (germline): Conflicting classifications of pathogenicity. Review status: criteria provided, conflicting classifications (1 of 4 stars). 12 submissions from 12 submitters: Uncertain significance (1); Likely benign (7). 4 of the submissions do not count toward it. Last evaluated 2026-04-30.

Conditions:
ADGRV1-related disorder. Also called: ADGRV1-related condition; ADGRV1-related disorders.
Usher syndrome type 2C. Also called: Usher syndrome, type 2B; USHER SYNDROME, TYPE IIC. Identifiers: Orphanet 231178, Orphanet 886, MedGen C2931213, MONDO:0011558, OMIM 605472.

Allele frequency attached by ClinVar (database versions not stated): 1000 Genomes Project 30x 0.00016; TOPMed 0.00063; ExAC 0.00077; gnomAD 0.00080 and 0.00086; gnomAD exomes 0.00084 and 0.00165; ESP Exome Variant Server 0.00136.
gnomAD v4.1: 2,476 of 1,613,744 alleles (0.15%); highest among the groups gnomAD compares: Non-Finnish European, 0.2%; 3 homozygotes.

Submissions (12):

PreventionGenetics, part of Exact Sciences
Classification: Likely benign for ADGRV1-related condition. Last evaluated: 2026-04-30. Review status: criteria provided, single submitter. Criteria: ACMG Guidelines, 2015. Collection method: clinical testing. Allele origin: germline.
Comment: This variant is classified as likely benign based on ACMG/AMP sequence variant interpretation guidelines (Richards et al. 2015 PMID: 25741868, with internal and published modifications).

Labcorp Genetics (formerly Invitae), Labcorp
Classification: Likely benign. Last evaluated: 2026-01-20. Review status: criteria provided, single submitter. Criteria: Invitae Variant Classification Sherloc (09022015). Collection method: clinical testing. Allele origin: germline.

Illumina Laboratory Services, Illumina
Classification: Likely benign for Usher syndrome type 2C. Last evaluated: 2025-04-08. Review status: criteria provided, single submitter. Criteria: ICSLVariantClassificationCriteria RUGD 01 April 2020. Collection method: clinical testing. Allele origin: unknown.

Blueprint Genetics
Classification: Likely benign. Last evaluated: 2024-10-31. Review status: criteria provided, single submitter. Criteria: ACMG Guidelines, 2015. Collection method: clinical testing. Allele origin: germline.

CeGaT Center for Human Genetics Tuebingen
Classification: Likely benign. Last evaluated: 2024-03-01. Review status: criteria provided, single submitter. Criteria: CeGaT Center For Human Genetics Tuebingen Variant Classification Criteria Version 2. Collection method: clinical testing. Allele origin: germline. Affected: yes. Observed: 3 variant alleles.
Comment: ADGRV1: BP4, BP7

GeneDx
Classification: Likely benign. Last evaluated: 2021-06-02. Review status: criteria provided, single submitter. Criteria: GeneDx Variant Classification Process June 2021. Collection method: clinical testing. Allele origin: germline. Affected: yes.

Eurofins Ntd Llc (ga)
Classification: Uncertain significance. Last evaluated: 2017-07-11. Review status: criteria provided, single submitter. Criteria: EGL Classification Definitions 2015. Collection method: clinical testing. Allele origin: germline. Observed: 1 variant allele, 1 heterozygote.

Laboratory for Molecular Medicine, Mass General Brigham Personalized Medicine
Classification: Likely benign. Last evaluated: 2016-01-07. Review status: criteria provided, single submitter. Criteria: LMM Criteria. Collection method: clinical testing. Allele origin: germline. Observed: 3 variant alleles.
Comment: p.Leu1741Leu in Exon 24 of GPR98: This variant is not expected to have clinical significance because it does not alter an amino acid residue, is not located wit hin the splice consensus sequence, and has been identified in 81/66050 European chromosomes by the Exome Aggregation Consortium (ExAC; dbSNP rs371831553).

Clinical Genetics DNA and cytogenetics Diagnostics Lab, Erasmus MC, Erasmus Medical Center
Classification: Likely benign. Review status: no assertion criteria provided. Collection method: clinical testing. Allele origin: germline. Affected: yes. Study: VKGL Data-share Consensus. Not counted in ClinVar's aggregate classification.

Clinical Genetics, Academic Medical Center
Classification: Benign. Review status: no assertion criteria provided. Collection method: clinical testing. Allele origin: germline. Affected: yes. Study: VKGL Data-share Consensus. Not counted in ClinVar's aggregate classification.

Diagnostic Laboratory, Department of Genetics, University Medical Center Groningen
Classification: Likely benign. Review status: no assertion criteria provided. Collection method: clinical testing. Allele origin: germline. Affected: yes. Study: VKGL Data-share Consensus. Not counted in ClinVar's aggregate classification.

Genome Diagnostics Laboratory, University Medical Center Utrecht
Classification: Benign. Review status: no assertion criteria provided. Collection method: clinical testing. Allele origin: germline. Affected: yes. Study: VKGL Data-share Consensus. Not counted in ClinVar's aggregate classification.